The following is an entry in ClinVar:

ClinVar aggregate classification (germline): Benign/Likely benign. Review status: criteria provided, multiple submitters, no conflicts (2 of 4 stars). 4 submissions from 4 submitters: Benign (1); Likely benign (3). Last evaluated 2025-05-30.

Conditions:
Inborn genetic diseases. Identifiers: MedGen C0950123, MeSH D030342.

Allele frequency attached by ClinVar (database versions not stated): ESP Exome Variant Server 0.00008.
gnomAD v4.1: 206 of 1,607,440 alleles (0.013%); highest among the groups gnomAD compares: Non-Finnish European, 0.0091%; no homozygotes.

Submissions (4):

Labcorp Genetics (formerly Invitae), Labcorp
Classification: Benign. Last evaluated: 2025-05-30. Review status: criteria provided, single submitter. Criteria: Invitae Variant Classification Sherloc (09022015). Collection method: clinical testing. Allele origin: germline.

Ambry Genetics
Classification: Likely benign for Inborn genetic diseases. Last evaluated: 2024-11-20. Review status: criteria provided, single submitter. Criteria: Ambry Variant Classification Scheme 2023. Collection method: clinical testing. Allele origin: germline.

Blueprint Genetics
Classification: Likely benign. Last evaluated: 2024-09-06. Review status: criteria provided, single submitter. Criteria: ACMG Guidelines, 2015. Collection method: clinical testing. Allele origin: germline.

CeGaT Center for Human Genetics Tuebingen
Classification: Likely benign. Last evaluated: 2022-12-01. Review status: criteria provided, single submitter. Criteria: CeGaT Center For Human Genetics Tuebingen Variant Classification Criteria Version 2. Collection method: clinical testing. Allele origin: germline. Affected: yes. Observed: 1 variant allele.
Comment: ASXL1: BP4, BP7

NM_015338.6(ASXL1):c.1929G>A (p.Gly643=)

Gene: ASXL1 (ASXL transcriptional regulator 1; plus strand). Cytogenetic location: 20q11.21.
Variant type: single nucleotide variant.
Coding change: c.1929G>A on transcript NM_015338.6 (MANE Select); coding-DNA position 1929, G replaced by A.
Protein change: p.Gly643=; no amino-acid change (glycine 643 retained).
Molecular consequence: synonymous variant.
Genome position (GRCh38, 1-based): chr20:32,434,641, G>A. VCF-style: chr20-32434641-G-A. GRCh37 (hg19) VCF-style: chr20-31022444-G-A.
Other names: c.1746G>A, p.Gly582= (NM_001363734.1); c.1929G>A (NM_015338.5).
Identifiers: ClinVar variation 1170370 (VCV001170370.35), dbSNP rs373998853, ClinGen allele CA9808498.